The following is an entry in ClinVar:

ClinVar aggregate classification (germline): Likely pathogenic (1 of 4 stars; one submission).

Conditions:
Duchenne muscular dystrophy (DMD). Also called: Duchenne Muscular Dystrophy (DMD); MUSCULAR DYSTROPHY, PSEUDOHYPERTROPHIC PROGRESSIVE, DUCHENNE TYPE. Identifiers: Orphanet 98896, MedGen C0013264, MONDO:0010679, OMIM 310200.

Submission:

Diagnostics Services (NGS), CSIR - Centre For Cellular And Molecular Biology
Classification: Likely pathogenic for Duchenne muscular dystrophy. Last evaluated: 2026-02-13. Review status: criteria provided, single submitter. Criteria: ACMG Guidelines, 2015. Collection method: clinical testing. Allele origin: germline. Affected: yes. Observed: 1 variant allele, 1 hemizygote.
Comment: The c.2087_2091delinsAAAA variant is not present in publicly available population databases like 1000 Genomes, EVS, gnomAD, Indian Exome Database or our internal database. This variant has neither been published in literature in individuals affected with DMD-related conditions nor reported to clinical databases like Human Genome Mutation Database (HGMD), ClinVar, or OMIM, in any affected individuals. In-silico pathogenicity prediction programs like MutationTaster2021, CADD, Franklin, Varsome etc., predicted this variant to be likely deleterious. This variant causes frameshift at the 696th amino acid position of the wild-type transcript which creates a premature translational stop signal at the altered transcript that may either result in translation of a truncated protein or cause nonsense mediated decay of the mRNA.

NM_004006.3(DMD):c.2087_2091delinsAAAA (p.Val696fs)

Gene: DMD (dystrophin; minus strand). Cytogenetic location: Xp21.1.
Variant type: Indel.
Coding change: c.2087_2091delinsAAAA on transcript NM_004006.3 (MANE Select); coding-DNA positions 2087 to 2091, TAAAG replaced by AAAA.
Protein change: p.Val696fs; shifts the reading frame from valine 696.
Molecular consequence: frameshift variant.
Genome position (GRCh38, 1-based): chrX:32,545,236-32,545,240, CTTTA replaced by TTTT on the plus strand (TAAAG replaced by AAAA on the coding strand, the reverse complement: DMD is on the minus strand). VCF-style: chrX-32545236-CTTTA-TTTT. GRCh37 (hg19) VCF-style: chrX-32563353-CTTTA-TTTT.
Other names: c.2063_2067delinsAAAA, p.Val688fs (NM_000109.4); c.2075_2079delinsAAAA, p.Val692fs (NM_004009.3); c.1718_1722delinsAAAA, p.Val573fs (NM_004010.3); short protein forms V573fs, V688fs, V692fs, V696fs.
Identifiers: ClinVar variation 4849693 (VCV004849693.1).